The following is an entry in ClinVar:

ClinVar aggregate classification (germline): Uncertain significance (1 of 4 stars; one submission).

Conditions:
Pontocerebellar hypoplasia type 1A (PCH1A). Also called: PONTOCEREBELLAR HYPOPLASIA WITH ANTERIOR HORN CELL DISEASE; PONTOCEREBELLAR HYPOPLASIA WITH INFANTILE SPINAL MUSCULAR ATROPHY. Identifiers: Orphanet 2254, Orphanet 88616, MedGen C1843504, MONDO:0011866, OMIM 607596.

Submission:

Labcorp Genetics (formerly Invitae), Labcorp
Classification: Uncertain significance for Pontocerebellar hypoplasia type 1A. Last evaluated: 2022-12-16. Review status: criteria provided, single submitter. Criteria: Invitae Variant Classification Sherloc (09022015). Collection method: clinical testing. Allele origin: germline.
Comment: In summary, the available evidence is currently insufficient to determine the role of this variant in disease. Therefore, it has been classified as a Variant of Uncertain Significance. Algorithms developed to predict the effect of missense changes on protein structure and function are either unavailable or do not agree on the potential impact of this missense change (SIFT: "Tolerated"; PolyPhen-2: "Probably Damaging"; Align-GVGD: "Class C0"). This variant has not been reported in the literature in individuals affected with VRK1-related conditions. This variant is not present in population databases (gnomAD no frequency). This sequence change replaces leucine, which is neutral and non-polar, with valine, which is neutral and non-polar, at codon 309 of the VRK1 protein (p.Leu309Val).

NM_003384.3(VRK1):c.925C>G (p.Leu309Val)

Gene: VRK1 (VRK serine/threonine kinase 1; plus strand). Cytogenetic location: 14q32.2.
Variant type: single nucleotide variant.
Coding change: c.925C>G on transcript NM_003384.3 (MANE Select); coding-DNA position 925, C replaced by G.
Protein change: p.Leu309Val; replaces leucine 309 with valine.
Molecular consequence: missense variant.
Genome position (GRCh38, 1-based): chr14:96,860,592, C>G. VCF-style: chr14-96860592-C-G. GRCh37 (hg19) VCF-style: chr14-97326929-C-G.
Other names: c.925C>G, p.Leu309Val (NM_001411051.1, NM_001411053.1); short protein forms L309V.
Identifiers: ClinVar variation 2808835 (VCV002808835.3), dbSNP rs916629774, ClinGen allele CA266083989.